The following is an entry in ClinVar:

NM_002615.7(SERPINF1):c.397C>T (p.Gln133Ter)

Gene: SERPINF1 (serpin family F member 1; plus strand). Cytogenetic location: 17p13.3.
Variant type: single nucleotide variant.
Coding change: c.397C>T on transcript NM_002615.7 (MANE Select); coding-DNA position 397, C replaced by T.
Protein change: p.Gln133Ter; replaces glutamine 133 with a stop codon.
Molecular consequence: nonsense. On other transcripts: 5 prime UTR variant (1).
Genome position (GRCh38, 1-based): chr17:1,771,142, C>T. VCF-style: chr17-1771142-C-T. GRCh37 (hg19) VCF-style: chr17-1674436-C-T.
Other names: c.397C>T, p.Gln133Ter (NM_001329903.2); c.-165C>T (NM_001329904.2); short protein forms Q133*.
Identifiers: ClinVar variation 4531286 (VCV004531286.1), dbSNP rs138610575.
Genomic context (GRCh38, chr17:1,771,142, plus strand): 5'-ATCAGCAGCCCAGACATCCATGGTACCTATAAGGAGCTCCTTGACACGGTCACTGCCCCC[C>T]AGAAGAACCTCAAGAGTGCCTCCCGGATCGTCTTTGAGAAGAGTGAGTCGCCTTTGCAGC-3'

ClinVar aggregate classification (germline): Pathogenic (1 of 4 stars; one submission).

Conditions:
Osteogenesis imperfecta type 6. Also called: Osteogenesis imperfecta, type VI. Identifiers: Orphanet 666, MedGen C3279564, MONDO:0013515, OMIM 613982.

Allele frequency attached by ClinVar (database versions not stated): TOPMed 0.00001.
gnomAD v4.1: 5 of 1,614,116 alleles (0.00031%); highest among the groups gnomAD compares: East Asian, 0.0022%; no homozygotes.

Submission:

Juno Genomics, Hangzhou Juno Genomics, Inc
Classification: Pathogenic for Osteogenesis imperfecta type 6. Review status: criteria provided, single submitter. Criteria: ACMG Guidelines, 2015. Collection method: clinical testing. Allele origin: germline. Affected: yes.
Comment: Absent from controls (or at extremely low frequency if recessive) in Genome Aggregation Database, Exome Sequencing Project, 1000 Genomes Project, or Exome Aggregation Consortium.;Null variant in a gene where loss of function (LOF) is a known mechanism of disease.;For recessive disorders, detected in trans with a pathogenic variant.;Patient's phenotype or family history is highly specific for a disease with a single genetic etiology.;Co-segregation with disease in multiple affected family members in a gene definitively known to cause the disease.